The following is an entry in ClinVar:

NM_012310.5(KIF4A):c.1072-8T>G

Gene: KIF4A (kinesin family member 4A; plus strand). Cytogenetic location: Xq13.1.
Variant type: single nucleotide variant.
Coding change: c.1072-8T>G on transcript NM_012310.5 (MANE Select); 8 bases into the intron before coding-DNA position 1072, T replaced by G.
Molecular consequence: intron variant.
Genome position (GRCh38, 1-based): chrX:70,333,620, T>G. VCF-style: chrX-70333620-T-G. GRCh37 (hg19) VCF-style: chrX-69553470-T-G.
Identifiers: ClinVar variation 1341888 (VCV001341888.1), dbSNP rs181578540, ClinGen allele CA10441073.

ClinVar aggregate classification (germline): Uncertain significance (1 of 4 stars; one submission).

Conditions:
Intellectual developmental disorder, X-linked 100. Also called: Intellectual disability, X-linked 100. Identifiers: MedGen C3890167, MONDO:0010488, OMIM 300923.

Allele frequency attached by ClinVar (database versions not stated): gnomAD exomes 0.00002 and below 0.00001; 1000 Genomes Project 0.00026; ExAC 0.00002; gnomAD 0.00004; 1000 Genomes Project 30x 0.00021; TOPMed 0.00004.
gnomAD v4.1: 8 of 1,193,269 alleles (0.00067%); highest among the groups gnomAD compares: African/African-American, 0.011%; no homozygotes.

Submission:

New York Genome Center
Classification: Uncertain significance for Intellectual developmental disorder, X-linked 100. Last evaluated: 2021-02-22. Review status: criteria provided, single submitter. Criteria: NYGC Assertion Criteria 2020. Collection method: clinical testing. Allele origin: inherited. Observed: 1 hemizygote. Study: CSER-NYCKidSeq.
Comment: The variant has 0.00003576 allele frequency in the gnomAD database (4 heterozygotes, no hemizygote/homozygote) indicating it is not a common benign variant in populations represented in that database. The affected nucleotide is moderately conserved. In silico tools show conflicting predictions about potential pathogenicity of this variant (SpliceAIscore= 0.04, TRAP score=0.519). Based on the available evidence, the maternally inherited hemizygous c.1072-8T>G splice-region variant identified in the KIF4A gene is reported as a variant of uncertainsignificance.